The following is an entry in ClinVar:

NM_016038.4(SBDS):c.377G>A (p.Arg126Lys)

Gene: SBDS (SBDS ribosome maturation factor; minus strand). Cytogenetic location: 7q11.21.
Variant type: single nucleotide variant.
Coding change: c.377G>A on transcript NM_016038.4 (MANE Select); coding-DNA position 377, G replaced by A.
Protein change: p.Arg126Lys; replaces arginine 126 with lysine.
Molecular consequence: missense variant.
Genome position (GRCh38, 1-based): chr7:66,993,299, C>T on the plus strand (G>A on the coding strand, the complement: SBDS is on the minus strand). VCF-style: chr7-66993299-C-T. GRCh37 (hg19) VCF-style: chr7-66458286-C-T.
Other names: short protein forms R126K.
Identifiers: ClinVar variation 3792701 (VCV003792701.1).

ClinVar aggregate classification (germline): Uncertain significance (1 of 4 stars; one submission).

Conditions:
Inborn genetic diseases. Identifiers: MedGen C0950123, MeSH D030342.

Submission:

Ambry Genetics
Classification: Uncertain significance for Inborn genetic diseases. Last evaluated: 2024-12-22. Review status: criteria provided, single submitter. Criteria: Ambry Variant Classification Scheme 2023. Collection method: clinical testing. Allele origin: germline.
Comment: The p.R126K variant (also known as c.377G>A), located in coding exon 3 of the SBDS gene, results from a G to A substitution at nucleotide position 377. The arginine at codon 126 is replaced by lysine, an amino acid with highly similar properties. This amino acid position is conserved. In addition, the in silico prediction for this alteration is inconclusive. Based on the available evidence, the clinical significance of this variant remains unclear.